The following is an entry in ClinVar:

NM_014141.6(CNTNAP2):c.2133del (p.Asn712fs)

Gene: CNTNAP2 (contactin associated protein 2; plus strand). Cytogenetic location: 7q35.
Variant type: Deletion.
Coding change: c.2133del on transcript NM_014141.6 (MANE Select); coding-DNA position 2133, one base deleted (C; older notation c.2133delC).
Protein change: p.Asn712fs; shifts the reading frame from asparagine 712.
Molecular consequence: frameshift variant.
Genome position (GRCh38, 1-based): chr7:147,903,599, C deleted; the last of 2 consecutive C bases (chr7:147,903,598-147,903,599); deleting either gives the same sequence. VCF-style (leftmost placement, unchanged base first): chr7-147903597-GC-G. GRCh37 (hg19) VCF-style: chr7-147600689-GC-G.
Other names: short protein forms N712fs.
Identifiers: ClinVar variation 4732585 (VCV004732585.1).
Genomic context (GRCh38, chr7:147,903,597, plus strand): 5'-CTAAATATACCTTTGCCTTTTCTTGTAGATGGAAGCCCTTACACTTGGTGGGTTGGCAAA[GC>G]CAACGAGAAGCACTACTACTGGGGAGGCTCTGGGCCTGGAATCCAGAAATGTGCCTGCGG-3'

ClinVar aggregate classification (germline): Pathogenic (1 of 4 stars; one submission).

Conditions:
Cortical dysplasia-focal epilepsy syndrome (PTHSL1). Also called: Pitt-Hopkins-like syndrome 1. Identifiers: Orphanet 163681, Orphanet 221150, MedGen C2750246, MONDO:0012400, OMIM 610042.

Submission:

Labcorp Genetics (formerly Invitae), Labcorp
Classification: Pathogenic for Cortical dysplasia-focal epilepsy syndrome. Last evaluated: 2025-12-13. Review status: criteria provided, single submitter. Criteria: Invitae Variant Classification Sherloc (09022015). Collection method: clinical testing. Allele origin: germline.
Comment: This sequence change creates a premature translational stop signal (p.Asn712Thrfs*56) in the CNTNAP2 gene. It is expected to result in an absent or disrupted protein product. Loss-of-function variants in CNTNAP2 are known to be pathogenic (PMID: 19896112, 21827697, 25045150, 26843181, 27439707). This variant is not present in population databases (gnomAD no frequency). This variant has not been reported in the literature in individuals affected with CNTNAP2-related conditions. For these reasons, this variant has been classified as Pathogenic.

Literature cited by the submitters: PubMed 19896112; PubMed 21827697; PubMed 25045150; PubMed 26843181; PubMed 27439707.